The following is an entry in ClinVar:

ClinVar aggregate classification (germline): Uncertain significance (1 of 4 stars; one submission).

Conditions:
Short-rib thoracic dysplasia 14 with polydactyly (SRTD14). Identifiers: Orphanet 397715, MedGen C4225286, MONDO:0014688, OMIM 616546.
Joubert syndrome 23 (JBTS23). Identifiers: Orphanet 475, MedGen C4084822, MONDO:0014664, OMIM 616490.

Submission:

Labcorp Genetics (formerly Invitae), Labcorp
Classification: Uncertain significance for Joubert syndrome 23; Short-rib thoracic dysplasia 14 with polydactyly. Last evaluated: 2021-12-13. Review status: criteria provided, single submitter. Criteria: Invitae Variant Classification Sherloc (09022015). Collection method: clinical testing. Allele origin: germline.
Comment: This sequence change replaces cysteine, which is neutral and slightly polar, with tyrosine, which is neutral and polar, at codon 54 of the KIAA0586 protein (p.Cys54Tyr). This variant is not present in population databases (gnomAD no frequency). This variant has not been reported in the literature in individuals affected with KIAA0586-related conditions. Algorithms developed to predict the effect of missense changes on protein structure and function output the following: SIFT: "Tolerated"; PolyPhen-2: "Benign"; Align-GVGD: "Class C0". The tyrosine amino acid residue is found in multiple mammalian species, which suggests that this missense change does not adversely affect protein function. In summary, the available evidence is currently insufficient to determine the role of this variant in disease. Therefore, it has been classified as a Variant of Uncertain Significance.

NM_001329943.3(KIAA0586):c.125G>A (p.Cys42Tyr)

Gene: KIAA0586 (KIAA0586; plus strand). Cytogenetic location: 14q23.1.
Variant type: single nucleotide variant.
Coding change: c.125G>A on transcript NM_001329943.3 (MANE Select); coding-DNA position 125, G replaced by A.
Protein change: p.Cys42Tyr; replaces cysteine 42 with tyrosine.
Molecular consequence: missense variant. On other transcripts: intron variant (5).
Genome position (GRCh38, 1-based): chr14:58,428,389, G>A. VCF-style: chr14-58428389-G-A. GRCh37 (hg19) VCF-style: chr14-58895107-G-A.
Other names: c.125G>A, p.Cys42Tyr (NM_001329947.2, NM_014749.5, NM_001329944.2 and 1 more transcripts); c.-57+752G>A (NM_001244192.2, NM_001244191.2); c.-57+576G>A (NM_001364701.2, NM_001329945.2, NM_001364700.1); c.161G>A, p.Cys54Tyr (NM_001244189.2); c.80G>A, p.Cys27Tyr (NM_001244190.2); short protein forms C42Y, C27Y, C54Y.
Identifiers: ClinVar variation 2041659 (VCV002041659.4), dbSNP rs2542433630, ClinGen allele CA389859185.